The following is an entry in ClinVar:

ClinVar aggregate classification (germline): Likely benign. Review status: criteria provided, single submitter (1 of 4 stars). 2 submissions from 2 submitters: Likely benign (1). 1 of the submissions does not count toward it. Last evaluated 2021-04-14.

Conditions:
TRPC6-related disorder. Also called: TRPC6-related condition.

Allele frequency attached by ClinVar (database versions not stated): gnomAD exomes below 0.00001 and 0.00001; ExAC 0.00001; gnomAD 0.00002 and 0.00003; TOPMed 0.00003; 1000 Genomes Project 30x 0.00016.

Submissions (2):

Labcorp Genetics (formerly Invitae), Labcorp
Classification: Likely benign. Last evaluated: 2021-04-14. Review status: criteria provided, single submitter. Criteria: Invitae Variant Classification Sherloc (09022015). Collection method: clinical testing. Allele origin: germline.

PreventionGenetics, part of Exact Sciences
Classification: Likely benign for TRPC6-related condition. Last evaluated: 2021-11-19. Review status: no assertion criteria provided. Collection method: clinical testing. Allele origin: germline. Not counted in ClinVar's aggregate classification.
Comment: This variant is classified as likely benign based on ACMG/AMP sequence variant interpretation guidelines (Richards et al. 2015 PMID: 25741868, with internal and published modifications).

NM_004621.6(TRPC6):c.2409+6_2409+7dup

Gene: TRPC6 (transient receptor potential cation channel subfamily C member 6; minus strand). Cytogenetic location: 11q22.1.
Variant type: Duplication.
Coding change: c.2409+6_2409+7dup on transcript NM_004621.6 (MANE Select); bases 6 to 7 of the intron after coding-DNA position 2409, 2 bases duplicated (TT; older notation c.2409+6_2409+7dupTT).
Molecular consequence: intron variant.
Genome position (GRCh38, 1-based): chr11:101,471,176-101,471,177, AA duplicated on the plus strand (TT on the coding strand, the reverse complement: TRPC6 is on the minus strand). VCF-style (leftmost placement, unchanged base first): chr11-101471175-T-TAA. GRCh37 (hg19) VCF-style: chr11-101341906-T-TAA.
Other names: c.2409+6_2409+7dupTT (NM_004621.5).
Identifiers: ClinVar variation 1545979 (VCV001545979.10), dbSNP rs376896372, ClinGen allele CA6244135.
Genomic context (GRCh38, chr11:101,471,175, plus strand): 5'-ATGTGGCATAGTGGTTACAGTAGTCACAAAATTTAAGAATACAATGATAACTTATCAAGC[T>TAA]AAGTTACCTTGTTCATCTCTGCATCTTCCTGGAAACCTTTTTTATGGCCCTGGAACAGCT-3'